The following is an entry in ClinVar:

ClinVar aggregate classification (germline): Uncertain significance. Review status: criteria provided, multiple submitters, no conflicts (2 of 4 stars). 3 submissions from 3 submitters: Uncertain significance (2). 1 of the submissions does not count toward it. Last evaluated 2021-12-04.

Conditions:
Familial Mediterranean fever (FMF). Also called: POLYSEROSITIS, FAMILIAL PAROXYSMAL; POLYSEROSITIS, RECURRENT; Periodic peritonitis; Benign paroxysmal peritonitis. Identifiers: Orphanet 342, MedGen C0031069, MONDO:0018088, OMIM 249100. Disease mechanism: gain of function.

Allele frequency attached by ClinVar (database versions not stated): gnomAD 0.00001 and 0.00002; 1000 Genomes Project 30x 0.00016; 1000 Genomes Project 0.00020; gnomAD exomes 0.00001 and 0.00003; ExAC 0.00003.
gnomAD v4.1: 25 of 1,614,076 alleles (0.0015%); highest among the groups gnomAD compares: South Asian, 0.015%; no homozygotes.

Submissions (3):

Labcorp Genetics (formerly Invitae), Labcorp
Classification: Uncertain significance for Familial Mediterranean fever. Last evaluated: 2021-12-04. Review status: criteria provided, single submitter. Criteria: Invitae Variant Classification Sherloc (09022015). Collection method: clinical testing. Allele origin: germline.
Comment: This sequence change replaces serine, which is neutral and polar, with leucine, which is neutral and non-polar, at codon 683 of the MEFV protein (p.Ser683Leu). This variant is present in population databases (rs534682649, gnomAD 0.02%). This variant has not been reported in the literature in individuals affected with MEFV-related conditions. ClinVar contains an entry for this variant (Variation ID: 942144). Algorithms developed to predict the effect of missense changes on protein structure and function are either unavailable or do not agree on the potential impact of this missense change (SIFT: "Tolerated"; PolyPhen-2: "Probably Damaging"; Align-GVGD: "Class C0"). In summary, the available evidence is currently insufficient to determine the role of this variant in disease. Therefore, it has been classified as a Variant of Uncertain Significance.

Neuberg Centre For Genomic Medicine, NCGM
Classification: Uncertain significance for Familial Mediterranean fever. Review status: criteria provided, single submitter. Criteria: ACMG Guidelines, 2015. Collection method: clinical testing. Allele origin: germline. Inheritance: Autosomal dominant inheritance. Affected: yes.

Natera, Inc.
Classification: Uncertain significance for Familial Mediterranean fever. Last evaluated: 2020-09-12. Review status: no assertion criteria provided. Collection method: clinical testing. Allele origin: germline. Not counted in ClinVar's aggregate classification.

NM_000243.3(MEFV):c.2048C>T (p.Ser683Leu)

Genes: MEFV (MEFV innate immunity regulator, pyrin; minus strand), LOC126862264 (CDK7 strongly-dependent group 2 enhancer GRCh37_chr16:3293322-3294521; plus strand). Cytogenetic location: 16p13.3.
Variant type: single nucleotide variant.
Coding change: c.2048C>T on transcript NM_000243.3 (MANE Select); coding-DNA position 2048, C replaced by T.
Protein change: p.Ser683Leu; replaces serine 683 with leucine.
Molecular consequence: missense variant. On other transcripts: 3 prime UTR variant (1).
Genome position (GRCh38, 1-based): chr16:3,243,439, G>A on the plus strand (C>T on the coding strand, the complement: MEFV is on the minus strand). VCF-style: chr16-3243439-G-A. GRCh37 (hg19) VCF-style: chr16-3293439-G-A.
Other names: c.*252C>T (NM_001198536.2); short protein forms S683L.
Identifiers: ClinVar variation 942144 (VCV000942144.10), dbSNP rs534682649, ClinGen allele CA7859882.